The following is an entry in ClinVar:

ClinVar aggregate classification (germline): Uncertain significance (1 of 4 stars; one submission).

Conditions:
Agammaglobulinemia 2, autosomal recessive (AGM2). Also called: AGAMMAGLOBULINEMIA, AUTOSOMAL RECESSIVE, DUE TO IGLL1 DEFECT. Identifiers: MedGen C3150750, MONDO:0013287, OMIM 613500.

gnomAD v4.1: 1 of 1,609,966 alleles (0.000062%); highest among the groups gnomAD compares: Non-Finnish European, 0.000085%; no homozygotes.

Submission:

Labcorp Genetics (formerly Invitae), Labcorp
Classification: Uncertain significance for Agammaglobulinemia 2, autosomal recessive. Last evaluated: 2023-05-26. Review status: criteria provided, single submitter. Criteria: Invitae Variant Classification Sherloc (09022015). Collection method: clinical testing. Allele origin: germline.
Comment: This sequence change replaces proline, which is neutral and non-polar, with glutamine, which is neutral and polar, at codon 120 of the IGLL1 protein (p.Pro120Gln). This variant is present in population databases (rs142384414, gnomAD 0.0009%). In summary, the available evidence is currently insufficient to determine the role of this variant in disease. Therefore, it has been classified as a Variant of Uncertain Significance. An algorithm developed to predict the effect of missense changes on protein structure and function (PolyPhen-2) suggests that this variant is likely to be disruptive. This variant has not been reported in the literature in individuals affected with IGLL1-related conditions.

NM_020070.4(IGLL1):c.359C>A (p.Pro120Gln)

Gene: IGLL1 (immunoglobulin lambda like polypeptide 1; minus strand). Cytogenetic location: 22q11.23.
Variant type: single nucleotide variant.
Coding change: c.359C>A on transcript NM_020070.4 (MANE Select); coding-DNA position 359, C replaced by A.
Protein change: p.Pro120Gln; replaces proline 120 with glutamine.
Molecular consequence: missense variant. On other transcripts: synonymous variant (1).
Genome position (GRCh38, 1-based): chr22:23,573,549, G>T on the plus strand (C>A on the coding strand, the complement: IGLL1 is on the minus strand). VCF-style: chr22-23573549-G-T. GRCh37 (hg19) VCF-style: chr22-23915736-G-T.
Other names: c.362C>A, p.Pro121Gln (NM_001369906.1); c.243C>A, p.Pro81= (NM_152855.3); short protein forms P120Q, P121Q.
Identifiers: ClinVar variation 2779436 (VCV002779436.3), dbSNP rs142384414, ClinGen allele CA10143295.